The following is an entry in ClinVar:

NM_000057.4(BLM):c.3184T>G (p.Ser1062Ala)

Gene: BLM (BLM RecQ like helicase; plus strand). Cytogenetic location: 15q26.1.
Variant type: single nucleotide variant.
Coding change: c.3184T>G on transcript NM_000057.4 (MANE Select); coding-DNA position 3184, T replaced by G.
Protein change: p.Ser1062Ala; replaces serine 1062 with alanine.
Molecular consequence: missense variant.
Genome position (GRCh38, 1-based): chr15:90,794,331, T>G. VCF-style: chr15-90794331-T-G. GRCh37 (hg19) VCF-style: chr15-91337561-T-G.
Other names: c.3184T>G, p.Ser1062Ala (NM_001287246.2, NM_001287247.2); c.2059T>G, p.Ser687Ala (NM_001287248.2); short protein forms S1062A, S687A.
Identifiers: ClinVar variation 1728573 (VCV001728573.2), dbSNP rs768806041, ClinGen allele CA7738948.
Genomic context (GRCh38, chr15:90,794,331, plus strand): 5'-TTGGCCTACTTTGGTGAAAATGGATTTAATCCTGATTTTTGTAAGAAACACCCAGATGTT[T>G]CTTGTGATAATTGCTGTAAAACAAAGGTAAAAAAAGAAGTTTTAAAATTCTTTATAATTA-3'
Protein context (NP_000048.1, residues 1052-1072): PDFCKKHPDV[Ser1062Ala]CDNCCKTKDY

ClinVar aggregate classification (germline): Uncertain significance (1 of 4 stars; one submission).

Conditions:
Hereditary cancer-predisposing syndrome. Also called: Tumor predisposition; Neoplastic Syndromes, Hereditary; Hereditary Cancer Syndrome; Hereditary neoplastic syndrome. Identifiers: Orphanet 140162, MedGen C0027672, MeSH D009386, MONDO:0015356.

Allele frequency attached by ClinVar (database versions not stated): gnomAD exomes below 0.00001; ExAC 0.00001.

Submission:

Ambry Genetics
Classification: Uncertain significance for Hereditary cancer-predisposing syndrome. Last evaluated: 2021-09-15. Review status: criteria provided, single submitter. Criteria: Ambry Variant Classification Scheme 2023. Collection method: clinical testing. Allele origin: germline.
Comment: The p.S1062A variant (also known as c.3184T>G), located in coding exon 15 of the BLM gene, results from a T to G substitution at nucleotide position 3184. The serine at codon 1062 is replaced by alanine, an amino acid with similar properties. This amino acid position is not well conserved in available vertebrate species. In addition, this alteration is predicted to be tolerated by in silico analysis. Since supporting evidence is limited at this time, the clinical significance of this alteration remains unclear.